The following is an entry in ClinVar:

ClinVar aggregate classification (germline): Likely pathogenic (1 of 4 stars; one submission).

Conditions:
Acrocallosal syndrome (ACLS). Also called: HALLUX DUPLICATION, POSTAXIAL POLYDACTYLY, AND ABSENCE OF CORPUS CALLOSUM; Schinzel syndrome 1; Absence of corpus callosum with unusual facial appearance, mental deficiency, duplication of the halluces and polydactyly. Identifiers: Orphanet 36, MedGen C0796147, MONDO:0008708, OMIM 200990.

Submission:

Labcorp Genetics (formerly Invitae), Labcorp
Classification: Likely pathogenic for Acrocallosal syndrome. Last evaluated: 2022-06-18. Review status: criteria provided, single submitter. Criteria: Invitae Variant Classification Sherloc (09022015). Collection method: clinical testing. Allele origin: germline.
Comment: In summary, the currently available evidence indicates that the variant is pathogenic, but additional data are needed to prove that conclusively. Therefore, this variant has been classified as Likely Pathogenic. Algorithms developed to predict the effect of sequence changes on RNA splicing suggest that this variant may disrupt the consensus splice site. This variant has not been reported in the literature in individuals affected with KIF7-related conditions. This variant is not present in population databases (gnomAD no frequency). This sequence change affects a donor splice site in intron 16 of the KIF7 gene. It is expected to disrupt RNA splicing. Variants that disrupt the donor or acceptor splice site typically lead to a loss of protein function (PMID: 16199547), and loss-of-function variants in KIF7 are known to be pathogenic (PMID: 19666503, 21552264, 21633164, 26648833).

Literature cited by the submitters: PubMed 16199547; PubMed 19666503; PubMed 21552264; PubMed 21633164; PubMed 26648833.

NM_198525.3(KIF7):c.3318+1G>T

Gene: KIF7 (kinesin family member 7; minus strand). Cytogenetic location: 15q26.1.
Variant type: single nucleotide variant.
Coding change: c.3318+1G>T on transcript NM_198525.3 (MANE Select); the canonical splice donor site of the intron after coding-DNA position 3318, G replaced by T.
Molecular consequence: splice donor variant.
Genome position (GRCh38, 1-based): chr15:89,630,286, C>A on the plus strand (G>T on the coding strand, the complement: KIF7 is on the minus strand). VCF-style: chr15-89630286-C-A. GRCh37 (hg19) VCF-style: chr15-90173517-C-A.
Identifiers: ClinVar variation 2000305 (VCV002000305.4), dbSNP rs2505419625, ClinGen allele CA393755786.